The following is an entry in ClinVar:

ClinVar aggregate classification (germline): Uncertain significance (1 of 4 stars; one submission).

Submission:

GeneDx
Classification: Uncertain significance. Last evaluated: 2020-03-02. Review status: criteria provided, single submitter. Criteria: GeneDx Variant Classification Process June 2021. Collection method: clinical testing. Allele origin: germline. Affected: yes.
Comment: Not observed in large population cohorts (Lek et al., 2016); In silico analysis, which includes protein predictors and evolutionary conservation, supports a deleterious effect; Has not been previously published as pathogenic or benign to our knowledge

NM_006295.3(VARS1):c.1147C>G (p.His383Asp)

Gene: VARS1 (valyl-tRNA synthetase 1; minus strand). Cytogenetic location: 6p21.33.
Variant type: single nucleotide variant.
Coding change: c.1147C>G on transcript NM_006295.3 (MANE Select); coding-DNA position 1147, C replaced by G.
Protein change: p.His383Asp; replaces histidine 383 with aspartic acid.
Molecular consequence: missense variant.
Genome position (GRCh38, 1-based): chr6:31,785,687, G>C on the plus strand (C>G on the coding strand, the complement: VARS1 is on the minus strand). VCF-style: chr6-31785687-G-C. GRCh37 (hg19) VCF-style: chr6-31753464-G-C.
Other names: short protein forms H383D.
Identifiers: ClinVar variation 1304148 (VCV001304148.2), dbSNP rs2151425461, ClinGen allele CA363470962.
Genomic context (GRCh38, chr6:31,785,687, plus strand): 5'-TCAGTCCCTGCTCACGCCATAGCTTCTTCTCCACCACCACCTGGGTGGCAATACCTGCAT[G>C]GTCACAGCCAGGGTTCCACAGGGTGGTCTCCCCACGCATGCGGTGCCTGTTAGGGGGCAT-3'
Protein context (NP_006286.1, residues 373-393): ETTLWNPGCD[His383Asp]AGIATQVVVE